The following is an entry in ClinVar:

NM_012213.3(MLYCD):c.8G>A (p.Gly3Asp)

Genes: MLYCD (malonyl-CoA decarboxylase; plus strand), LOC130059554 (ATAC-STARR-seq lymphoblastoid silent region 7769; plus strand). Cytogenetic location: 16q23.3.
Variant type: single nucleotide variant.
Coding change: c.8G>A on transcript NM_012213.3 (MANE Select); coding-DNA position 8, G replaced by A.
Protein change: p.Gly3Asp; replaces glycine 3 with aspartic acid.
Molecular consequence: missense variant.
Genome position (GRCh38, 1-based): chr16:83,899,152, G>A. VCF-style: chr16-83899152-G-A. GRCh37 (hg19) VCF-style: chr16-83932757-G-A.
Other names: short protein forms G3D.
Identifiers: ClinVar variation 4059 (VCV000004059.14), dbSNP rs121908081, ClinGen allele CA340136.
Genomic context (GRCh38, chr16:83,899,152, plus strand): 5'-GGAAGCGCGGCAGCGGCGGCGGCGCTCCCCCTCGGCAGCTGTTGTGGGGCACCATGCGAG[G>A]CTTCGGGCCAGGCTTGACGGCCAGGCGTCTCCTCCCGCTGCGGTTGCCCCCGCGGCCGCC-3'
Protein context (NP_036345.2, residues 1-13): MR[Gly3Asp]FGPGLTARRL

ClinVar aggregate classification (germline): Conflicting classifications of pathogenicity. Review status: criteria provided, conflicting classifications (1 of 4 stars). 5 submissions from 5 submitters: Pathogenic (1); Likely pathogenic (1); Uncertain significance (2). 1 of the submissions does not count toward it. Last evaluated 2026-01-16.

Conditions:
Deficiency of malonyl-CoA decarboxylase. Also called: Malonic aciduria; MCD deficiency. Identifiers: Orphanet 943, MedGen C0342793, MONDO:0009556, OMIM 248360.

Allele frequency attached by ClinVar (database versions not stated): TOPMed below 0.00001; gnomAD 0.00001 and 0.00002; gnomAD exomes 0.00004; 1000 Genomes Project 30x 0.00016.
gnomAD v4.1: 44 of 1,146,038 alleles (0.0038%); highest among the groups gnomAD compares: South Asian, 0.061%; no homozygotes.

Submissions (5):

Labcorp Genetics (formerly Invitae), Labcorp
Classification: Pathogenic for Deficiency of malonyl-CoA decarboxylase. Last evaluated: 2026-01-16. Review status: criteria provided, single submitter. Criteria: Invitae Variant Classification Sherloc (09022015). Collection method: clinical testing. Allele origin: germline.
Comment: This sequence change replaces glycine, which is neutral and non-polar, with aspartic acid, which is acidic and polar, at codon 3 of the MLYCD protein (p.Gly3Asp). The frequency data for this variant in the population databases is considered unreliable, as metrics indicate poor data quality at this position in the gnomAD database. This missense change has been observed in individual(s) with biochemical features of MLYCD-related conditions (PMID: 12955715, 37979716; internal data). In at least one individual the data is consistent with being in trans (on the opposite chromosome) from a pathogenic variant. ClinVar contains an entry for this variant (Variation ID: 4059). An algorithm developed to predict the effect of missense changes on protein structure and function (PolyPhen-2) suggests that this variant is likely to be tolerated. For these reasons, this variant has been classified as Pathogenic.

GeneDx
Classification: Uncertain significance. Last evaluated: 2024-08-15. Review status: criteria provided, single submitter. Criteria: GeneDx Variant Classification Process June 2021. Collection method: clinical testing. Allele origin: germline. Affected: yes.
Comment: Not observed at significant frequency in large population cohorts (gnomAD); In silico analysis indicates that this missense variant does not alter protein structure/function; This variant is associated with the following publications: (PMID: 12955715, 23791943, 6145813)

Blueprint Genetics
Classification: Uncertain significance. Last evaluated: 2021-09-20. Review status: criteria provided, single submitter. Criteria: ACMG Guidelines, 2015. Collection method: clinical testing. Allele origin: germline.

Rady Children's Institute for Genomic Medicine, Rady Children's Hospital San Diego
Classification: Likely pathogenic for MALONYL-CoA DECARBOXYLASE DEFICIENCY. Review status: criteria provided, single submitter. Criteria: ACMG Guidelines, 2015. Collection method: clinical testing. Allele origin: germline. Affected: yes.
Comment: This variant has been previously reported, in one individual, as a homozygous change in patients with Malonyl-CoA decarboxylase deficiency (PMID: 12955715). Functional studies confirm this variant results in decreased mRNA levels and loss of protein function (PMID: 12955715). The c.8G>A (p.Gly3Asp) variant is present in the heterozygous state in the gnomAD population database at a frequency of 0.01150% (1/8698) and thus is presumed to be rare. The c.8G>A (p.Gly3Asp) variant affects a highly conserved amino acid and is predicted by multiple in silico tools to have a discordant effect on protein function. Based on the available evidence, the c.8G>A (p.Gly3Asp) variant is classified as Likely Pathogenic.

OMIM
Classification: Pathogenic for MALONYL-CoA DECARBOXYLASE DEFICIENCY. Last evaluated: 2003-10-01. Review status: no assertion criteria provided. Collection method: literature only. Allele origin: germline. Not counted in ClinVar's aggregate classification.

Literature cited by the submitters: PubMed 12955715 (cited by Labcorp Genetics (formerly Invitae), Labcorp and OMIM); PubMed 37979716 (cited by Labcorp Genetics (formerly Invitae), Labcorp); PubMed 6145813 (cited by OMIM).